The following is an entry in ClinVar:

ClinVar aggregate classification (germline): Uncertain significance. Review status: criteria provided, multiple submitters, no conflicts (2 of 4 stars). 2 submissions from 2 submitters: Uncertain significance (2). Last evaluated 2025-10-02.

Conditions:
Fanconi anemia complementation group I (FANCI). Also called: FANCI-Related Fanconi Anemia. Identifiers: Orphanet 84, MedGen C1836861, MONDO:0012186, OMIM 609053.
Fanconi anemia (FA). Also called: Fanconi's anemia. Identifiers: Orphanet 84, MedGen C0015625, MeSH D005199, MONDO:0019391.

Allele frequency attached by ClinVar (database versions not stated): TOPMed 0.00001; gnomAD exomes 0.00002 and 0.00005; gnomAD 0.00003; ExAC 0.00004; ESP Exome Variant Server 0.00008.
gnomAD v4.1: 32 of 1,613,580 alleles (0.002%); highest among the groups gnomAD compares: Admixed American, 0.01%; no homozygotes.

Submissions (2):

Labcorp Genetics (formerly Invitae), Labcorp
Classification: Uncertain significance for Fanconi anemia. Last evaluated: 2025-10-02. Review status: criteria provided, single submitter. Criteria: Invitae Variant Classification Sherloc (09022015). Collection method: clinical testing. Allele origin: germline.
Comment: This sequence change replaces alanine, which is neutral and non-polar, with threonine, which is neutral and polar, at codon 1081 of the FANCI protein (p.Ala1081Thr). This variant is present in population databases (rs375746069, gnomAD 0.01%). This variant has not been reported in the literature in individuals affected with FANCI-related conditions. ClinVar contains an entry for this variant (Variation ID: 317292). Invitae Evidence Modeling of protein sequence and biophysical properties (such as structural, functional, and spatial information, amino acid conservation, physicochemical variation, residue mobility, and thermodynamic stability) indicates that this missense variant is not expected to disrupt FANCI protein function with a negative predictive value of 80%. In summary, the available evidence is currently insufficient to determine the role of this variant in disease. Therefore, it has been classified as a Variant of Uncertain Significance.

Illumina Laboratory Services, Illumina
Classification: Uncertain significance for Fanconi anemia complementation group I. Last evaluated: 2018-01-13. Review status: criteria provided, single submitter. Criteria: ICSL Variant Classification Criteria 13 December 2019. Collection method: clinical testing. Allele origin: germline.

NM_001113378.2(FANCI):c.3241G>A (p.Ala1081Thr)

Gene: FANCI (FA complementation group I; plus strand). Cytogenetic location: 15q26.1.
Variant type: single nucleotide variant.
Coding change: c.3241G>A on transcript NM_001113378.2 (MANE Select); coding-DNA position 3241, G replaced by A.
Protein change: p.Ala1081Thr; replaces alanine 1081 with threonine.
Molecular consequence: missense variant.
Genome position (GRCh38, 1-based): chr15:89,305,395, G>A. VCF-style: chr15-89305395-G-A. GRCh37 (hg19) VCF-style: chr15-89848626-G-A.
Other names: c.2962G>A, p.Ala988Thr (NM_001376910.1); c.3241G>A, p.Ala1081Thr (NM_001376911.1); c.3061G>A, p.Ala1021Thr (NM_018193.3); short protein forms A1081T, A1021T, A988T.
Identifiers: ClinVar variation 317292 (VCV000317292.13), dbSNP rs375746069, ClinGen allele CA7723644.